The following is an entry in ClinVar:

ClinVar aggregate classification (germline): Uncertain significance (1 of 4 stars; one submission).

Conditions:
Inborn genetic diseases. Identifiers: MedGen C0950123, MeSH D030342.

gnomAD v4.1: 2 of 1,614,044 alleles (0.00012%); highest among the groups gnomAD compares: South Asian, 0.0011%; no homozygotes.

Submission:

Ambry Genetics
Classification: Uncertain significance for Inborn genetic diseases. Last evaluated: 2022-07-01. Review status: criteria provided, single submitter. Criteria: Ambry Variant Classification Scheme 2023. Collection method: clinical testing. Allele origin: germline.
Comment: The p.D57G variant (also known as c.170A>G), located in coding exon 2 of the MDH2 gene, results from an A to G substitution at nucleotide position 170. The aspartic acid at codon 57 is replaced by glycine, an amino acid with similar properties. This amino acid position is conserved. In addition, this alteration is predicted to be deleterious by in silico analysis. Since supporting evidence is limited at this time, the clinical significance of this alteration remains unclear.

NM_005918.4(MDH2):c.170A>G (p.Asp57Gly)

Gene: MDH2 (malate dehydrogenase 2; plus strand). Cytogenetic location: 7q11.23.
Variant type: single nucleotide variant.
Coding change: c.170A>G on transcript NM_005918.4 (MANE Select); coding-DNA position 170, A replaced by G.
Protein change: p.Asp57Gly; replaces aspartic acid 57 with glycine.
Molecular consequence: missense variant. On other transcripts: intron variant (1).
Genome position (GRCh38, 1-based): chr7:76,054,933, A>G. VCF-style: chr7-76054933-A-G. GRCh37 (hg19) VCF-style: chr7-75684251-A-G.
Other names: c.170A>G, p.Asp57Gly (NM_001282403.2); c.-86-2477A>G (NM_001282404.2); short protein forms D57G.
Identifiers: ClinVar variation 1778515 (VCV001778515.2), dbSNP rs1554586000, ClinGen allele CA367762531.